The following is an entry in ClinVar:

NM_004360.5(CDH1):c.1512A>G (p.Glu504=)

Gene: CDH1 (cadherin 1; plus strand). Cytogenetic location: 16q22.1.
Variant type: single nucleotide variant.
Coding change: c.1512A>G on transcript NM_004360.5 (MANE Select); coding-DNA position 1512, A replaced by G.
Protein change: p.Glu504=; no amino-acid change (glutamic acid 504 retained).
Molecular consequence: synonymous variant. On other transcripts: 5 prime UTR variant (2).
Genome position (GRCh38, 1-based): chr16:68,815,706, A>G. VCF-style: chr16-68815706-A-G. GRCh37 (hg19) VCF-style: chr16-68849609-A-G.
Other names: c.1329A>G, p.Glu443= (NM_001317184.2); c.-37A>G (NM_001317185.2); c.-308A>G (NM_001317186.2); c.1512A>G (NM_004360.4).
Identifiers: ClinVar variation 819429 (VCV000819429.5), dbSNP rs748906857, ClinGen allele CA8130086.

ClinVar aggregate classification (germline): Conflicting classifications of pathogenicity. Review status: criteria provided, conflicting classifications (1 of 4 stars). 2 submissions from 2 submitters: Uncertain significance (1); Likely benign (1). Last evaluated 2022-08-01.

Conditions:
Hereditary cancer-predisposing syndrome. Also called: Hereditary Cancer Syndrome; Neoplastic Syndromes, Hereditary; Hereditary neoplastic syndrome; Tumor predisposition. Identifiers: Orphanet 140162, MedGen C0027672, MeSH D009386, MONDO:0015356.
Hereditary diffuse gastric adenocarcinoma (HDGC). Also called: DIFFUSE GASTRIC AND LOBULAR BREAST CANCER SYNDROME. Identifiers: Orphanet 26106, MedGen C1708349, MONDO:0007648, OMIM 137215.

Allele frequency attached by ClinVar (database versions not stated): gnomAD exomes below 0.00001; ExAC 0.00001.
gnomAD v4.1: 3 of 1,614,284 alleles (0.00019%); highest among the groups gnomAD compares: Non-Finnish European, 0.00025%; no homozygotes.

Submissions (2):

European Reference Network on Genetic Tumour Risk Syndromes (ERN-GENTURIS), i3s - Instituto de Investigação e Inovação em Saúde, University of Porto
Classification: Uncertain significance for Hereditary diffuse gastric adenocarcinoma. Last evaluated: 2022-08-01. Review status: criteria provided, single submitter. Criteria: Lee et al. (Hum Mutat. 2018). Collection method: clinical testing. Allele origin: germline. Inheritance: Autosomal dominant inheritance. Affected: no. Study: ERN GENTURIS.
Comment: PM2 (PMID: 30311375)

Ambry Genetics
Classification: Likely benign for Hereditary cancer-predisposing syndrome. Last evaluated: 2019-03-18. Review status: criteria provided, single submitter. Criteria: Ambry Variant Classification Scheme 2023. Collection method: clinical testing. Allele origin: germline.

Literature cited by the submitters: PubMed 36436516 (cited by European Reference Network on Genetic Tumour Risk Syndromes (ERN-GENTURIS), i3s - Instituto de Investigação e Inovação em Saúde, University of Porto).